The following is an entry in ClinVar:

ClinVar aggregate classification (germline): Uncertain significance (1 of 4 stars; one submission).

Allele frequency attached by ClinVar (database versions not stated): ExAC 0.00001.

Submission:

GeneDx
Classification: Uncertain significance. Last evaluated: 2022-05-18. Review status: criteria provided, single submitter. Criteria: GeneDx Variant Classification Process June 2021. Collection method: clinical testing. Allele origin: germline. Affected: yes.
Comment: In silico analysis supports that this missense variant has a deleterious effect on protein structure/function; Has not been previously published as pathogenic or benign to our knowledge

NM_001039591.3(USP9X):c.1103A>G (p.Tyr368Cys)

Gene: USP9X (ubiquitin specific peptidase 9 X-linked; plus strand). Cytogenetic location: Xp11.4.
Variant type: single nucleotide variant.
Coding change: c.1103A>G on transcript NM_001039591.3 (MANE Select); coding-DNA position 1103, A replaced by G.
Protein change: p.Tyr368Cys; replaces tyrosine 368 with cysteine.
Molecular consequence: missense variant.
Genome position (GRCh38, 1-based): chrX:41,141,373, A>G. VCF-style: chrX-41141373-A-G. GRCh37 (hg19) VCF-style: chrX-41000626-A-G.
Other names: c.1103A>G, p.Tyr368Cys (NM_001039590.3, NM_001410748.1, NM_001410749.1); short protein forms Y368C.
Identifiers: ClinVar variation 1800610 (VCV001800610.1), dbSNP rs750773717, ClinGen allele CA10388396.
Genomic context (GRCh38, chrX:41,141,373, plus strand): 5'-TCAATGGAAAGATGAATGCACTGAATGAAGTTAATAAGGTGATATCTAGTGTATCATACT[A>G]TACTCATCGACATGGTAATCCTGAGGAGGAAGAGTGGCTCACAGCTGAACGAATGGCAGT-3'
Protein context (NP_001034680.2, residues 358-378): VNKVISSVSY[Tyr368Cys]THRHGNPEEE